The following is an entry in ClinVar:

ClinVar aggregate classification (germline): Likely benign (1 of 4 stars; one submission).

Allele frequency attached by ClinVar (database versions not stated): 1000 Genomes Project 30x 0.00016; 1000 Genomes Project 0.00020; ExAC 0.00051; TOPMed 0.00053; gnomAD 0.00060; ESP Exome Variant Server 0.00092.
gnomAD v4.1: 758 of 1,613,442 alleles (0.047%); highest among the groups gnomAD compares: East Asian, 0.018%; 5 homozygotes.

Submission:

CeGaT Center for Human Genetics Tuebingen
Classification: Likely benign. Last evaluated: 2023-01-01. Review status: criteria provided, single submitter. Criteria: CeGaT Center For Human Genetics Tuebingen Variant Classification Criteria Version 2. Collection method: clinical testing. Allele origin: germline. Affected: yes. Observed: 2 variant alleles.
Comment: DNAH3: BP4, BP7

NM_001347886.2(DNAH3):c.2814C>T (p.Phe938=)

Gene: DNAH3 (dynein axonemal heavy chain 3; minus strand). Cytogenetic location: 16p12.3.
Variant type: single nucleotide variant.
Coding change: c.2814C>T on transcript NM_001347886.2 (MANE Select); coding-DNA position 2814, C replaced by T.
Protein change: p.Phe938=; no amino-acid change (phenylalanine 938 retained).
Molecular consequence: synonymous variant.
Genome position (GRCh38, 1-based): chr16:21,081,653, G>A on the plus strand (C>T on the coding strand, the complement: DNAH3 is on the minus strand). VCF-style: chr16-21081653-G-A. GRCh37 (hg19) VCF-style: chr16-21092974-G-A.
Other names: c.2952C>T, p.Phe984= (NM_017539.2).
Identifiers: ClinVar variation 2646299 (VCV002646299.24), dbSNP rs144164471, ClinGen allele CA7948257.